The following is an entry in ClinVar:

NM_007194.4(CHEK2):c.1542G>T (p.Gln514His)

Gene: CHEK2 (checkpoint kinase 2; minus strand). Cytogenetic location: 22q12.1.
Variant type: single nucleotide variant.
Coding change: c.1542G>T on transcript NM_007194.4 (MANE Select); coding-DNA position 1542, G replaced by T.
Protein change: p.Gln514His; replaces glutamine 514 with histidine.
Molecular consequence: missense variant.
Genome position (GRCh38, 1-based): chr22:28,689,135, C>A on the plus strand (G>T on the coding strand, the complement: CHEK2 is on the minus strand). VCF-style: chr22-28689135-C-A. GRCh37 (hg19) VCF-style: chr22-29085123-C-A.
Other names: c.1671G>T, p.Gln557His (NM_001005735.3); c.879G>T, p.Gln293His (NM_001257387.3); c.1341G>T, p.Gln447His (NM_001349956.3); c.1455G>T, p.Gln485His (NM_145862.3); short protein forms Q514H, Q485H, Q293H, Q447H, Q557H.
Identifiers: ClinVar variation 410014 (VCV000410014.26), dbSNP rs747797219, ClinGen allele CA10167622.

ClinVar aggregate classification (germline): Uncertain significance. Review status: criteria provided, multiple submitters, no conflicts (2 of 4 stars). 8 submissions from 8 submitters: Uncertain significance (7). 1 of the submissions does not count toward it. Last evaluated 2025-12-10.

Conditions:
Hereditary cancer-predisposing syndrome. Also called: Neoplastic Syndromes, Hereditary; Tumor predisposition; Hereditary Cancer Syndrome; Hereditary neoplastic syndrome. Identifiers: Orphanet 140162, MedGen C0027672, MeSH D009386, MONDO:0015356.
Familial cancer of breast. Also called: hereditary breast carcinoma; BREAST CANCER, FAMILIAL; Hereditary breast cancer. Identifiers: Orphanet 227535, MedGen C0346153, MONDO:0016419, OMIM 114480. Disease mechanism: loss of function.

Allele frequency attached by ClinVar (database versions not stated): gnomAD exomes below 0.00001; ExAC 0.00001.
gnomAD v4.1: 3 of 1,590,780 alleles (0.00019%); highest among the groups gnomAD compares: Non-Finnish European, 0.00017%; no homozygotes.

Submissions (8):

Color Diagnostics, LLC DBA Color Health
Classification: Uncertain significance for Hereditary cancer-predisposing syndrome. Last evaluated: 2025-12-10. Review status: criteria provided, single submitter. Criteria: ACMG Guidelines, 2015. Collection method: clinical testing. Allele origin: germline.
Comment: This missense variant replaces glutamine with histidine at codon 514 of the CHEK2 protein and causes a G>T nucleotide substitution at the last nucleotide of exon 14 of the CHEK2 gene. Splice prediction tools suggest that this variant may disrupt RNA splicing by disrupting the native donor site and utilizing a cryptic donor site. To our knowledge, RNA studies have not been reported for this variant. This variant has not been reported in individuals affected with CHEK2-related disorders in the literature. This variant has been identified in 3/1590780 chromosomes in the general population by the Genome Aggregation Database (gnomAD). The available evidence is insufficient to determine the role of this variant in disease conclusively. Therefore, this variant is classified as a Variant of Uncertain Significance.

Labcorp Genetics (formerly Invitae), Labcorp
Classification: Uncertain significance for Familial cancer of breast. Last evaluated: 2025-10-06. Review status: criteria provided, single submitter. Criteria: Invitae Variant Classification Sherloc (09022015). Collection method: clinical testing. Allele origin: germline.
Comment: This sequence change replaces glutamine, which is neutral and polar, with histidine, which is basic and polar, at codon 514 of the CHEK2 protein (p.Gln514His). RNA analysis indicates that this missense change induces altered splicing and likely results in the loss of 4 amino acid residue(s), but is expected to preserve the integrity of the reading-frame. This variant is present in population databases (rs747797219, gnomAD 0.0009%). This variant has not been reported in the literature in individuals affected with CHEK2-related conditions. ClinVar contains an entry for this variant (Variation ID: 410014). An algorithm developed to predict the effect of missense changes on protein structure and function (PolyPhen-2) suggests that this variant is likely to be disruptive. Variants that disrupt the consensus splice site are a relatively common cause of aberrant splicing (PMID: 17576681, 9536098). Studies have shown that this missense change results in the activation of a cryptic splice site in exon 14 (internal data). In summary, the available evidence is currently insufficient to determine the role of this variant in disease. Therefore, it has been classified as a Variant of Uncertain Significance.

Ambry Genetics
Classification: Uncertain significance for Hereditary cancer-predisposing syndrome. Last evaluated: 2025-04-11. Review status: criteria provided, single submitter. Criteria: Ambry Variant Classification Scheme 2023. Collection method: clinical testing. Allele origin: germline.
Comment: The p.Q514H variant (also known as c.1542G>T), located in coding exon 13 of the CHEK2 gene, results from a G to T substitution at nucleotide position 1542. The amino acid change results in glutamine to histidine at codon 514, an amino acid with highly similar properties. However, this change occurs in the last base pair of coding exon 13, which makes it likely to have some effect on normal mRNA splicing. In silico splice site analysis predicts that this alteration will weaken the native splice donor site and will result in the creation or strengthening of a novel splice donor site. RNA studies have demonstrated that this alteration results in a transcript predicted to lead to a protein with an in-frame deletion of 4 amino acids; however, the exact functional impact of the deleted amino acids is unknown at this time (Ambry internal data). The nucleotide and amino acid positions are highly conserved in available vertebrate species. In addition, as a missense substitution this is predicted to be tolerated by in silico analysis. Based on the available evidence, the clinical significance of this variant remains unclear.

Blueprint Genetics
Classification: Uncertain significance. Last evaluated: 2024-11-04. Review status: criteria provided, single submitter. Criteria: ACMG Guidelines, 2015. Collection method: clinical testing. Allele origin: germline.

Myriad Genetics, Inc.
Classification: Uncertain significance for Familial cancer of breast. Last evaluated: 2023-03-08. Review status: criteria provided, single submitter. Criteria: Myriad Autosomal Dominant, Autosomal Recessive and X-Linked Classification Criteria (2023). Collection method: clinical testing. Allele origin: unknown.
Comment: This variant is classified as a variant of uncertain significance as there is insufficient evidence to determine its impact on protein function and/or cancer risk.

Baylor Genetics
Classification: Uncertain significance for Familial cancer of breast. Last evaluated: 2022-12-12. Review status: criteria provided, single submitter. Criteria: ACMG Guidelines, 2015. Collection method: clinical testing. Allele origin: unknown.

GeneDx
Classification: Uncertain significance. Last evaluated: 2019-10-08. Review status: criteria provided, single submitter. Criteria: GeneDx Variant Classification Process June 2021. Collection method: clinical testing. Allele origin: germline. Affected: yes.
Comment: Located at the last nucleotide of the exon and predicted to result in abnormal splicing leading to an in-frame deletion of exon 14; Has not been previously published as pathogenic or benign to our knowledge; Not observed at a significant frequency in large population cohorts (Lek et al., 2016); While protein-based in silico analysis supports that this variant does not alter protein structure/function, splice predictors support a deleterious effect. However, in the absence of RNA or functional studies, the actual effect of this sequence change is unknown.

Counsyl
Classification: Uncertain significance for Familial cancer of breast. Last evaluated: 2018-03-16. Review status: no assertion criteria provided. Collection method: clinical testing. Allele origin: unknown. Not counted in ClinVar's aggregate classification.

Literature cited by the submitters: PubMed 17576681 (cited by Labcorp Genetics (formerly Invitae), Labcorp); PubMed 9536098 (cited by Labcorp Genetics (formerly Invitae), Labcorp).